The following is an entry in ClinVar:

NM_005027.4(PIK3R2):c.2159del (p.Gly720fs)

Gene: PIK3R2 (phosphoinositide-3-kinase regulatory subunit 2; plus strand). Cytogenetic location: 19p13.11.
Variant type: Deletion.
Coding change: c.2159del on transcript NM_005027.4 (MANE Select); coding-DNA position 2159, one base deleted (G; older notation c.2159delG).
Protein change: p.Gly720fs; shifts the reading frame from glycine 720.
Molecular consequence: frameshift variant. On other transcripts: non-coding transcript variant (2).
Genome position (GRCh38, 1-based): chr19:18,169,266, G deleted; the last of 3 consecutive G bases (chr19:18,169,264-18,169,266); deleting any one gives the same sequence. VCF-style (leftmost placement, unchanged base first): chr19-18169263-CG-C. GRCh37 (hg19) VCF-style: chr19-18280073-CG-C.
Other names: short protein forms G720fs.
Identifiers: ClinVar variation 4077262 (VCV004077262.1).

ClinVar aggregate classification (germline): Uncertain significance (1 of 4 stars; one submission).

Submission:

GeneDx
Classification: Uncertain significance. Last evaluated: 2025-02-26. Review status: criteria provided, single submitter. Criteria: GeneDx Variant Classification Process June 2021. Collection method: clinical testing. Allele origin: germline. Affected: yes.
Comment: Not observed at significant frequency in large population cohorts (gnomAD); Frameshift variant predicted to result in abnormal protein length as the last 9 amino acid(s) are replaced with 153 different amino acid(s); Has not been previously published as pathogenic or benign to our knowledge